The following is an entry in ClinVar:

ClinVar aggregate classification (germline): Uncertain significance (0 of 4 stars; one submission).

Conditions:
SOD1-related disorder. Also called: SOD1-related condition.

gnomAD v4.1: 1 of 1,613,918 alleles (0.000062%); highest among the groups gnomAD compares: Admixed American, 0.0017%; no homozygotes.

Submission:

PreventionGenetics, part of Exact Sciences
Classification: Uncertain significance for SOD1-related condition. Last evaluated: 2024-02-12. Review status: no assertion criteria provided. Collection method: clinical testing. Allele origin: germline.
Comment: The SOD1 c.8C>T variant is predicted to result in the amino acid substitution p.Thr3Met. To our knowledge, this variant has not been reported in the literature or in a large population database, indicating this variant is rare. At this time, the clinical significance of this variant is uncertain due to the absence of conclusive functional and genetic evidence.

NM_000454.5(SOD1):c.8C>T (p.Thr3Met)

Genes: SOD1 (superoxide dismutase 1; plus strand), SOD1-DT (SOD1 divergent transcript; minus strand). Cytogenetic location: 21q22.11.
Variant type: single nucleotide variant.
Coding change: c.8C>T on transcript NM_000454.5 (MANE Select); coding-DNA position 8, C replaced by T.
Protein change: p.Thr3Met; replaces threonine 3 with methionine.
Molecular consequence: missense variant. On other transcripts: non-coding transcript variant (1).
Genome position (GRCh38, 1-based): chr21:31,659,777, C>T. VCF-style: chr21-31659777-C-T. GRCh37 (hg19) VCF-style: chr21-33032090-C-T.
Other names: short protein forms T3M.
Identifiers: ClinVar variation 3348663 (VCV003348663.1).
Genomic context (GRCh38, chr21:31,659,777, plus strand): 5'-GGGGTTTCCGTTGCAGTCCTCGGAACCAGGACCTCGGCGTGGCCTAGCGAGTTATGGCGA[C>T]GAAGGCCGTGTGCGTGCTGAAGGGCGACGGCCCAGTGCAGGGCATCATCAATTTCGAGCA-3'
Protein context (NP_000445.1, residues 1-13): MA[Thr3Met]KAVCVLKGDG